The following is an entry in ClinVar:

NM_000492.4(CFTR):c.388C>A (p.Leu130Ile)

Gene: CFTR (CF transmembrane conductance regulator; plus strand). Cytogenetic location: 7q31.2.
Variant type: single nucleotide variant.
Coding change: c.388C>A on transcript NM_000492.4 (MANE Select); coding-DNA position 388, C replaced by A.
Protein change: p.Leu130Ile; replaces leucine 130 with isoleucine.
Molecular consequence: missense variant.
Genome position (GRCh38, 1-based): chr7:117,531,013, C>A. VCF-style: chr7-117531013-C-A. GRCh37 (hg19) VCF-style: chr7-117171067-C-A.
Other names: short protein forms L130I.
Identifiers: ClinVar variation 3832567 (VCV003832567.1).

ClinVar aggregate classification (germline): Uncertain significance (1 of 4 stars; one submission).

Conditions:
Cystic fibrosis (CF). Also called: MUCOVISCIDOSIS. Identifiers: Orphanet 586, MedGen C0010674, MONDO:0009061, OMIM 219700. Disease mechanism: loss of function.

Submission:

Ambry Genetics
Classification: Uncertain significance for Cystic fibrosis. Last evaluated: 2025-01-03. Review status: criteria provided, single submitter. Criteria: Ambry Variant Classification Scheme 2023. Collection method: clinical testing. Allele origin: germline.
Comment: The p.L130I variant (also known as c.388C>A), located in coding exon 4 of the CFTR gene, results from a C to A substitution at nucleotide position 388. The leucine at codon 130 is replaced by isoleucine, an amino acid with highly similar properties. This amino acid position is conserved. In addition, the in silico prediction for this alteration is inconclusive. Based on the available evidence, the clinical significance of this variant remains unclear.